The following is an entry in ClinVar:

NM_000140.5(FECH):c.621C>A (p.Tyr207Ter)

Gene: FECH (ferrochelatase; minus strand). Cytogenetic location: 18q21.31.
Variant type: single nucleotide variant.
Coding change: c.621C>A on transcript NM_000140.5 (MANE Select); coding-DNA position 621, C replaced by A.
Protein change: p.Tyr207Ter; replaces tyrosine 207 with a stop codon.
Molecular consequence: nonsense.
Genome position (GRCh38, 1-based): chr18:57,562,958, G>T on the plus strand (C>A on the coding strand, the complement: FECH is on the minus strand). VCF-style: chr18-57562958-G-T. GRCh37 (hg19) VCF-style: chr18-55230190-G-T.
Other names: c.405C>A, p.Tyr135Ter (NM_001371095.1); c.621C>A, p.Tyr207Ter (NM_001374778.1, NM_001371094.1); c.639C>A (NM_001012515.2); c.639C>A, p.Tyr213Ter (NM_001012515.4); short protein forms Y135*, Y207*, Y213*.
Identifiers: ClinVar variation 2818134 (VCV002818134.4), dbSNP rs2511528650, ClinGen allele CA402536012.
Genomic context (GRCh38, chr18:57,562,958, plus strand): 5'-CCACCTGTCAATAGTGCTCCACTTCATCGTGGGCTTCCGTCCCACTTGATTATAGTATCT[G>T]TAAATGGCATTTAAGCTGCTGCCTGAAATATACAGAGACCACTTAGTAGATGCATTTTGA-3'

ClinVar aggregate classification (germline): Pathogenic. Review status: criteria provided, multiple submitters, no conflicts (2 of 4 stars). 2 submissions from 2 submitters: Pathogenic (2). Last evaluated 2022-12-03.

Conditions:
Protoporphyria, erythropoietic, 1 (EPP1). Also called: FERROCHELATASE DEFICIENCY; HEME SYNTHETASE DEFICIENCY; Erythropoietic Protoporphyria, Autosomal Recessive. Identifiers: Orphanet 79278, MedGen C4692546, MONDO:0008319, OMIM 177000.

Submissions (2):

Labcorp Genetics (formerly Invitae), Labcorp
Classification: Pathogenic. Last evaluated: 2022-12-03. Review status: criteria provided, single submitter. Criteria: Invitae Variant Classification Sherloc (09022015). Collection method: clinical testing. Allele origin: germline.
Comment: This sequence change creates a premature translational stop signal (p.Tyr207*) in the FECH gene. It is expected to result in an absent or disrupted protein product. Loss-of-function variants in FECH are known to be pathogenic (PMID: 20105171, 23016163, 23364466). For these reasons, this variant has been classified as Pathogenic. This variant has not been reported in the literature in individuals affected with FECH-related conditions. This variant is not present in population databases (gnomAD no frequency).

Clinical Genetics Service, Universitary Hospital 12 de Octubre
Classification: Pathogenic for Protoporphyria, erythropoietic, 1. Review status: criteria provided, single submitter. Criteria: ACMG Guidelines, 2015. Collection method: clinical testing. Allele origin: germline. Affected: yes.

Literature cited by the submitters: PubMed 20105171 (cited by Labcorp Genetics (formerly Invitae), Labcorp); PubMed 23016163 (cited by Labcorp Genetics (formerly Invitae), Labcorp); PubMed 23364466 (cited by Labcorp Genetics (formerly Invitae), Labcorp).